The following is an entry in ClinVar:

ClinVar aggregate classification (germline): Uncertain significance. Review status: criteria provided, multiple submitters, no conflicts (2 of 4 stars). 2 submissions from 2 submitters: Uncertain significance (2). Last evaluated 2022-06-16.

Conditions:
Neurofibromatosis, type 1 (NF1). Also called: VON RECKLINGHAUSEN DISEASE; NEUROFIBROMATOSIS, TYPE I, SOMATIC; Neurofibromatosis, type I; Peripheral type neurofibromatosis. Identifiers: Orphanet 636, MedGen C0027831, MONDO:0018975, OMIM 162200. Disease mechanism: loss of function.
Cardiovascular phenotype. Identifiers: MedGen CN230736.
Hereditary cancer-predisposing syndrome. Also called: Neoplastic Syndromes, Hereditary; Tumor predisposition; Hereditary Cancer Syndrome; Hereditary neoplastic syndrome. Identifiers: Orphanet 140162, MedGen C0027672, MeSH D009386, MONDO:0015356.

Submissions (2):

Labcorp Genetics (formerly Invitae), Labcorp
Classification: Uncertain significance for Neurofibromatosis, type 1. Last evaluated: 2022-06-16. Review status: criteria provided, single submitter. Criteria: Invitae Variant Classification Sherloc (09022015). Collection method: clinical testing. Allele origin: germline.
Comment: Advanced modeling of protein sequence and biophysical properties (such as structural, functional, and spatial information, amino acid conservation, physicochemical variation, residue mobility, and thermodynamic stability) performed at Invitae indicates that this missense variant is expected to disrupt NF1 protein function. This variant has not been reported in the literature in individuals affected with NF1-related conditions. This variant is not present in population databases (gnomAD no frequency). This sequence change replaces phenylalanine, which is neutral and non-polar, with serine, which is neutral and polar, at codon 1548 of the NF1 protein (p.Phe1548Ser). In summary, the available evidence is currently insufficient to determine the role of this variant in disease. Therefore, it has been classified as a Variant of Uncertain Significance.

Ambry Genetics
Classification: Uncertain significance for Cardiovascular phenotype; Hereditary cancer-predisposing syndrome. Last evaluated: 2021-04-22. Review status: criteria provided, single submitter. Criteria: Ambry Variant Classification Scheme 2023. Collection method: clinical testing. Allele origin: germline.
Comment: The p.F1548S variant (also known as c.4643T>C), located in coding exon 34 of the NF1 gene, results from a T to C substitution at nucleotide position 4643. The phenylalanine at codon 1548 is replaced by serine, an amino acid with highly dissimilar properties. This amino acid position is highly conserved in available vertebrate species. In addition, the in silico prediction for this alteration is inconclusive. Since supporting evidence is limited at this time, the clinical significance of this alteration remains unclear.

NM_001042492.3(NF1):c.4706T>C (p.Phe1569Ser)

Gene: NF1 (neurofibromin 1; plus strand). Cytogenetic location: 17q11.2.
Variant type: single nucleotide variant.
Coding change: c.4706T>C on transcript NM_001042492.3 (MANE Select); coding-DNA position 4706, T replaced by C.
Protein change: p.Phe1569Ser; replaces phenylalanine 1569 with serine.
Molecular consequence: missense variant.
Genome position (GRCh38, 1-based): chr17:31,261,839, T>C. VCF-style: chr17-31261839-T-C. GRCh37 (hg19) VCF-style: chr17-29588857-T-C.
Other names: c.4643T>C, p.Phe1548Ser (NM_000267.4); short protein forms F1569S, F1548S.
Identifiers: ClinVar variation 1742131 (VCV001742131.7), dbSNP rs2151466508, ClinGen allele CA399000603.